The following is an entry in ClinVar:

NM_002386.4(MC1R):c.583T>A (p.Phe195Ile)

Gene: MC1R (melanocortin 1 receptor; plus strand). Cytogenetic location: 16q24.3.
Variant type: single nucleotide variant.
Coding change: c.583T>A on transcript NM_002386.4 (MANE Select); coding-DNA position 583, T replaced by A.
Protein change: p.Phe195Ile; replaces phenylalanine 195 with isoleucine.
Molecular consequence: missense variant.
Genome position (GRCh38, 1-based): chr16:89,919,841, T>A. VCF-style: chr16-89919841-T-A. GRCh37 (hg19) VCF-style: chr16-89986249-T-A.
Other names: short protein forms F195I.
Identifiers: ClinVar variation 3871059 (VCV003871059.1).

ClinVar aggregate classification (germline): Uncertain significance (1 of 4 stars; one submission).

Submission:

Ambry Genetics
Classification: Uncertain significance. Last evaluated: 2024-12-15. Review status: criteria provided, single submitter. Criteria: Ambry Variant Classification Scheme 2023. Collection method: clinical testing. Allele origin: germline.
Comment: The p.F195I variant (also known as c.583T>A), located in coding exon 1 of the MC1R gene, results from a T to A substitution at nucleotide position 583. The phenylalanine at codon 195 is replaced by isoleucine, an amino acid with highly similar properties. This amino acid position is conserved. In addition, this alteration is predicted to be tolerated by in silico analysis. Based on the available evidence, the clinical significance of this variant remains unclear.